The following is an entry in ClinVar:

ClinVar aggregate classification (germline): Uncertain significance (1 of 4 stars; one submission).

Conditions:
EP300-related disorder. Also called: EP300-related condition; EP300-related disorders.

Submission:

PreventionGenetics, part of Exact Sciences
Classification: Uncertain significance for EP300-related condition. Last evaluated: 2024-11-27. Review status: criteria provided, single submitter. Criteria: ACMG Guidelines, 2015. Collection method: clinical testing. Allele origin: germline.
Comment: The EP300 c.7223A>C variant is predicted to result in the amino acid substitution p.Gln2408Pro. To our knowledge, this variant has not been reported in the literature or in a large population database (gnomAD), indicating this variant is rare. At this time, the clinical significance of this variant is uncertain due to the absence of conclusive functional and genetic evidence.

NM_001429.4(EP300):c.7223A>C (p.Gln2408Pro)

Gene: EP300 (EP300 lysine acetyltransferase; plus strand). Cytogenetic location: 22q13.2.
Variant type: single nucleotide variant.
Coding change: c.7223A>C on transcript NM_001429.4 (MANE Select); coding-DNA position 7223, A replaced by C.
Protein change: p.Gln2408Pro; replaces glutamine 2408 with proline.
Molecular consequence: missense variant.
Genome position (GRCh38, 1-based): chr22:41,178,934, A>C. VCF-style: chr22-41178934-A-C. GRCh37 (hg19) VCF-style: chr22-41574938-A-C.
Other names: c.7145A>C, p.Gln2382Pro (NM_001362843.2); short protein forms Q2408P, Q2382P.
Identifiers: ClinVar variation 4998499 (VCV004998499.1).